The following is an entry in ClinVar:

ClinVar aggregate classification (germline): Uncertain significance. Review status: criteria provided, multiple submitters, no conflicts (2 of 4 stars). 2 submissions from 2 submitters: Uncertain significance (2). Last evaluated 2025-12-21.

Allele frequency attached by ClinVar (database versions not stated): gnomAD 0.00002; TOPMed 0.00002; gnomAD exomes 0.00003.
gnomAD v4.1: 47 of 1,614,056 alleles (0.0029%); highest among the groups gnomAD compares: South Asian, 0.0044%; 1 homozygote.

Submissions (2):

Labcorp Genetics (formerly Invitae), Labcorp
Classification: Uncertain significance. Last evaluated: 2025-12-21. Review status: criteria provided, single submitter. Criteria: Invitae Variant Classification Sherloc (09022015). Collection method: clinical testing. Allele origin: germline.
Comment: This sequence change replaces glycine, which is neutral and non-polar, with serine, which is neutral and polar, at codon 251 of the SYT2 protein (p.Gly251Ser). This variant is present in population databases (rs764034373, gnomAD 0.006%). This variant has not been reported in the literature in individuals affected with SYT2-related conditions. ClinVar contains an entry for this variant (Variation ID: 1913910). Invitae Evidence Modeling of protein sequence and biophysical properties (such as structural, functional, and spatial information, amino acid conservation, physicochemical variation, residue mobility, and thermodynamic stability) indicates that this missense variant is not expected to disrupt SYT2 protein function with a negative predictive value of 80%. In summary, the available evidence is currently insufficient to determine the role of this variant in disease. Therefore, it has been classified as a Variant of Uncertain Significance.

Women's Health and Genetics/Laboratory Corporation of America, LabCorp
Classification: Uncertain significance. Last evaluated: 2023-06-30. Review status: criteria provided, single submitter. Criteria: LabCorp Variant Classification Summary - May 2015. Collection method: clinical testing. Allele origin: germline.
Comment: Variant summary: SYT2 c.751G>A (p.Gly251Ser) results in a non-conservative amino acid change located in the C2 domain (IPR000008) of the encoded protein sequence. Three of five in-silico tools predict a benign effect of the variant on protein function. The variant allele was found at a frequency of 1.6e-05 in 251394 control chromosomes (gnomAD). The available data on variant occurrences in the general population are insufficient to allow any conclusion about variant significance. To our knowledge, no occurrence of c.751G>A in individuals affected with Congenital Myasthenic Syndrome 7 and no experimental evidence demonstrating its impact on protein function have been reported. One submitter has cited a clinical-significance assessment for this variant to ClinVar after 2014 and has classified the variant as uncertain significance. Based on the evidence outlined above, the variant was classified as uncertain significance.

NM_177402.5(SYT2):c.751G>A (p.Gly251Ser)

Gene: SYT2 (synaptotagmin 2; minus strand). Cytogenetic location: 1q32.1.
Variant type: single nucleotide variant.
Coding change: c.751G>A on transcript NM_177402.5 (MANE Select); coding-DNA position 751, G replaced by A.
Protein change: p.Gly251Ser; replaces glycine 251 with serine.
Molecular consequence: missense variant.
Genome position (GRCh38, 1-based): chr1:202,601,940, C>T on the plus strand (G>A on the coding strand, the complement: SYT2 is on the minus strand). VCF-style: chr1-202601940-C-T. GRCh37 (hg19) VCF-style: chr1-202571068-C-T.
Other names: c.751G>A, p.Gly251Ser (NM_001136504.1); c.751G>A (NM_177402.4); short protein forms G251S.
Identifiers: ClinVar variation 1913910 (VCV001913910.6), dbSNP rs764034373, ClinGen allele CA35579804.